The following is an entry in ClinVar:

ClinVar aggregate classification (germline): Benign (0 of 4 stars; one submission).

Conditions:
NRG1-related disorder. Also called: NRG1-related condition.

Allele frequency attached by ClinVar (database versions not stated): ExAC 0.01499; gnomAD 0.04705; 1000 Genomes Project 0.05232; ESP Exome Variant Server 0.05236; 1000 Genomes Project 30x 0.05653.
gnomAD v4.1: 14,017 of 1,613,418 alleles (0.87%); highest among the groups gnomAD compares: African/African-American, 17%; 1,111 homozygotes.

Submission:

PreventionGenetics, part of Exact Sciences
Classification: Benign for NRG1-related condition. Last evaluated: 2019-04-04. Review status: no assertion criteria provided. Collection method: clinical testing. Allele origin: germline.
Comment: This variant is classified as benign based on ACMG/AMP sequence variant interpretation guidelines (Richards et al. 2015 PMID: 25741868, with internal and published modifications).

NM_013964.5(NRG1):c.1062-4G>A

Genes: NRG1 (neuregulin 1; plus strand), LOC126860346 (BRD4-independent group 4 enhancer GRCh37_chr8:32617179-32618378; plus strand). Cytogenetic location: 8p12.
Variant type: single nucleotide variant.
Coding change: c.1062-4G>A on transcript NM_013964.5 (MANE Select); 4 bases into the intron before coding-DNA position 1062, G replaced by A.
Molecular consequence: intron variant.
Genome position (GRCh38, 1-based): chr8:32,760,196, G>A. VCF-style: chr8-32760196-G-A. GRCh37 (hg19) VCF-style: chr8-32617714-G-A.
Other names: c.1014-4G>A (NM_001159999.3); c.963-4G>A (NM_001159995.3); c.288-4G>A (NM_001322201.2, NM_001322202.2); c.912-4G>A (NM_001160001.3); c.1062-4G>A (NM_013960.5); c.1077-4G>A (NM_013956.5); c.1053-4G>A (NM_001160004.3, NM_013957.5, NM_001160008.2); c.1242-4G>A (NM_001322206.2, NM_001322205.2, NM_001322207.2); and 2 more.
Identifiers: ClinVar variation 3039711 (VCV003039711.2), dbSNP rs16879949, ClinGen allele CA4706004.